The following is an entry in ClinVar:

NM_001374828.1(ARID1B):c.1826C>G (p.Pro609Arg)

Gene: ARID1B (AT-rich interaction domain 1B; plus strand). Cytogenetic location: 6q25.3.
Variant type: single nucleotide variant.
Coding change: c.1826C>G on transcript NM_001374828.1 (MANE Select); coding-DNA position 1826, C replaced by G.
Protein change: p.Pro609Arg; replaces proline 609 with arginine.
Molecular consequence: missense variant.
Genome position (GRCh38, 1-based): chr6:156,829,261, C>G. VCF-style: chr6-156829261-C-G. GRCh37 (hg19) VCF-style: chr6-157150395-C-G.
Other names: c.1577C>G, p.Pro526Arg (NM_001346813.1, NM_020732.3); c.1826C>G, p.Pro609Arg (NM_001371656.1, NM_001374820.1, NM_017519.3); c.1403C>G, p.Pro468Arg (NM_175863.2); short protein forms P468R, P526R, P609R.
Identifiers: ClinVar variation 2442421 (VCV002442421.1), dbSNP rs2128045984, ClinGen allele CA366383825.
Genomic context (GRCh38, chr6:156,829,261, plus strand): 5'-AACCGACTTCTTTTATGTCTTCACAGGGCAGCCCAATGGATCCAATGGTGATGAAGAGAC[C>G]TCAGTTGTATGGCATGGGCAGTAACCCTCATTCTCAGCCTCAGCAGAGCAGTCCGTACCC-3'
Protein context (NP_001361757.1, residues 599-619): SPMDPMVMKR[Pro609Arg]QLYGMGSNPH

ClinVar aggregate classification (germline): Uncertain significance (1 of 4 stars; one submission).

gnomAD v4.1: 1 of 1,614,150 alleles (0.000062%); highest among the groups gnomAD compares: Non-Finnish European, 0.000085%; no homozygotes.

Submission:

GeneDx
Classification: Uncertain significance. Last evaluated: 2022-08-30. Review status: criteria provided, single submitter. Criteria: GeneDx Variant Classification Process June 2021. Collection method: clinical testing. Allele origin: germline. Affected: yes.
Comment: Not observed at significant frequency in large population cohorts (gnomAD); In silico analysis supports that this missense variant has a deleterious effect on protein structure/function; Has not been previously published as pathogenic or benign to our knowledge